The following is an entry in ClinVar:

ClinVar aggregate classification (germline): Uncertain significance. Review status: criteria provided, multiple submitters, no conflicts (2 of 4 stars). 2 submissions from 2 submitters: Uncertain significance (2). Last evaluated 2026-02-02.

Conditions:
POLD1-related polyposis and colorectal cancer syndrome (CRCS10). Also called: COLORECTAL CANCER, SUSCEPTIBILITY TO, ON CHROMOSOME 19q; Colorectal cancer 10; Colorectal cancer, susceptibility to, 10. Identifiers: Orphanet 220460, MedGen C2675481, MONDO:0012953, OMIM 612591.
Hereditary cancer-predisposing syndrome. Also called: Neoplastic Syndromes, Hereditary; Tumor predisposition; Hereditary neoplastic syndrome; Hereditary Cancer Syndrome. Identifiers: Orphanet 140162, MedGen C0027672, MeSH D009386, MONDO:0015356.

Submissions (2):

Ambry Genetics
Classification: Uncertain significance for Hereditary cancer-predisposing syndrome. Last evaluated: 2026-02-02. Review status: criteria provided, single submitter. Criteria: Ambry Variant Classification Scheme 2023. Collection method: clinical testing. Allele origin: germline.
Comment: The c.1383+4T>C intronic variant results from a T to C substitution 4 nucleotides after coding exon 10 in the POLD1 gene. This nucleotide position is poorly conserved in available vertebrate species. In silico splice site analysis predicts that this alteration will not have any significant effect on splicing. Based on the available evidence, the clinical significance of this variant remains unclear.

Labcorp Genetics (formerly Invitae), Labcorp
Classification: Uncertain significance for POLD1-related polyposis and colorectal cancer syndrome. Last evaluated: 2022-03-14. Review status: criteria provided, single submitter. Criteria: Invitae Variant Classification Sherloc (09022015). Collection method: clinical testing. Allele origin: germline.
Comment: This sequence change falls in intron 11 of the POLD1 gene. It does not directly change the encoded amino acid sequence of the POLD1 protein. It affects a nucleotide within the consensus splice site. In summary, the available evidence is currently insufficient to determine the role of this variant in disease. Therefore, it has been classified as a Variant of Uncertain Significance. Variants that disrupt the consensus splice site are a relatively common cause of aberrant splicing (PMID: 17576681, 9536098). Algorithms developed to predict the effect of sequence changes on RNA splicing suggest that this variant is not likely to affect RNA splicing. This variant has not been reported in the literature in individuals affected with POLD1-related conditions. This variant is not present in population databases (gnomAD no frequency).

Literature cited by the submitters: PubMed 17576681 (cited by Labcorp Genetics (formerly Invitae), Labcorp); PubMed 9536098 (cited by Labcorp Genetics (formerly Invitae), Labcorp).

NM_002691.4(POLD1):c.1383+4T>C

Gene: POLD1 (DNA polymerase delta 1, catalytic subunit; plus strand). Cytogenetic location: 19q13.33.
Variant type: single nucleotide variant.
Coding change: c.1383+4T>C on transcript NM_002691.4 (MANE Select); 4 bases into the intron after coding-DNA position 1383, T replaced by C.
Molecular consequence: intron variant.
Genome position (GRCh38, 1-based): chr19:50,406,326, T>C. VCF-style: chr19-50406326-T-C. GRCh37 (hg19) VCF-style: chr19-50909583-T-C.
Other names: c.1383+4T>C (NM_001256849.1, NM_001308632.1).
Identifiers: ClinVar variation 1771326 (VCV001771326.8), dbSNP rs1060501854, ClinGen allele CA2580097616.